The following is an entry in ClinVar:

ClinVar aggregate classification (germline): Conflicting classifications of pathogenicity. Review status: criteria provided, conflicting classifications (1 of 4 stars). 3 submissions from 3 submitters: Uncertain significance (1); Likely benign (2). Last evaluated 2025-11-13.

Conditions:
Long QT syndrome (LQTS). Identifiers: MedGen C0023976, MeSH D008133, MONDO:0002442. Disease mechanism: loss of function. Inheritance: Various modes of inheritance.
Cardiovascular phenotype. Identifiers: MedGen CN230736.

gnomAD v4.1: 14 of 1,612,706 alleles (0.00087%); highest among the groups gnomAD compares: Non-Finnish European, 0.0012%; no homozygotes.

Submissions (3):

Labcorp Genetics (formerly Invitae), Labcorp
Classification: Uncertain significance for Long QT syndrome. Last evaluated: 2025-11-13. Review status: criteria provided, single submitter. Criteria: Invitae Variant Classification Sherloc (09022015). Collection method: clinical testing. Allele origin: germline.
Comment: This sequence change replaces histidine, which is basic and polar, with arginine, which is basic and polar, at codon 794 of the AKAP9 protein (p.His794Arg). This variant is present in population databases (rs141176252, gnomAD 0.004%). This variant has not been reported in the literature in individuals affected with AKAP9-related conditions. ClinVar contains an entry for this variant (Variation ID: 1790448). An algorithm developed to predict the effect of missense changes on protein structure and function (PolyPhen-2) suggests that this variant is likely to be tolerated. In summary, the available evidence is currently insufficient to determine the role of this variant in disease. Therefore, it has been classified as a Variant of Uncertain Significance.

Ambry Genetics
Classification: Likely benign for Cardiovascular phenotype. Last evaluated: 2024-10-27. Review status: criteria provided, single submitter. Criteria: Ambry Variant Classification Scheme 2023. Collection method: clinical testing. Allele origin: germline.

Blueprint Genetics
Classification: Likely benign. Last evaluated: 2022-05-05. Review status: criteria provided, single submitter. Criteria: ACMG Guidelines, 2015. Collection method: clinical testing. Allele origin: germline.

NM_005751.5(AKAP9):c.2381A>G (p.His794Arg)

Gene: AKAP9 (A-kinase anchoring protein 9; plus strand). Cytogenetic location: 7q21.2.
Variant type: single nucleotide variant.
Coding change: c.2381A>G on transcript NM_005751.5 (MANE Select); coding-DNA position 2381, A replaced by G.
Protein change: p.His794Arg; replaces histidine 794 with arginine.
Molecular consequence: missense variant.
Genome position (GRCh38, 1-based): chr7:92,002,298, A>G. VCF-style: chr7-92002298-A-G. GRCh37 (hg19) VCF-style: chr7-91631612-A-G.
Other names: c.2381A>G, p.His794Arg (NM_147185.3); short protein forms H794R.
Identifiers: ClinVar variation 1790448 (VCV001790448.5), dbSNP rs141176252, ClinGen allele CA4336128.
Genomic context (GRCh38, chr7:92,002,298, plus strand): 5'-AAGCAGAGAATAGCATTCTTAAAGATGAAAAGAAAACCCTTGAAGACATGTTGAAAATAC[A>G]TACTCCTGTTAGCCAAGAAGAAAGATTGATTTTCTTAGACTCCATTAAGTCCAAATCCAA-3'
Protein context (NP_005742.4, residues 784-804): KKTLEDMLKI[His794Arg]TPVSQEERLI